The following is an entry in ClinVar:

ClinVar aggregate classification (germline): Benign/Likely benign. Review status: criteria provided, multiple submitters, no conflicts (2 of 4 stars). 2 submissions from 2 submitters: Benign (1); Likely benign (1). Last evaluated 2019-12-31.

Conditions:
Duane retraction syndrome 2. Identifiers: Orphanet 233, MedGen C0751083, MONDO:0011444, OMIM 604356.

Allele frequency attached by ClinVar (database versions not stated): gnomAD 0.00002 and 0.00039; ESP Exome Variant Server 0.00008; TOPMed 0.00009; gnomAD exomes 0.00046 and 0.00088; ExAC 0.00178; 1000 Genomes Project 30x 0.00203; 1000 Genomes Project 0.00240.
gnomAD v4.1: 745 of 1,574,960 alleles (0.047%); highest among the groups gnomAD compares: South Asian, 0.78%; 8 homozygotes.

Submissions (2):

Labcorp Genetics (formerly Invitae), Labcorp
Classification: Benign. Last evaluated: 2019-12-31. Review status: criteria provided, single submitter. Criteria: Invitae Variant Classification Sherloc (09022015). Collection method: clinical testing. Allele origin: germline.

Illumina Laboratory Services, Illumina
Classification: Likely benign for Duane retraction syndrome 2. Last evaluated: 2018-01-13. Review status: criteria provided, single submitter. Criteria: ICSL Variant Classification Criteria 13 December 2019. Collection method: clinical testing. Allele origin: germline.
Comment: This variant was observed in the ICSL laboratory as part of a predisposition screen in an ostensibly healthy population. It had not been previously curated by ICSL or reported in the Human Gene Mutation Database (HGMD: prior to June 1st, 2018), and was therefore a candidate for classification through an automated scoring system. Utilizing variant allele frequency, disease prevalence and penetrance estimates, and inheritance mode, an automated score was calculated to assess if this variant is too frequent to cause the disease. Based on the score and internal cut-off values, a variant classified as likely benign is not then subjected to further curation. The score for this variant resulted in a classification of likely benign for this disease.

NM_001822.7(CHN1):c.67C>T (p.Leu23=)

Gene: CHN1 (chimerin 1; minus strand). Cytogenetic location: 2q31.1.
Variant type: single nucleotide variant.
Coding change: c.67C>T on transcript NM_001822.7 (MANE Select); coding-DNA position 67, C replaced by T.
Protein change: p.Leu23=; no amino-acid change (leucine 23 retained).
Molecular consequence: synonymous variant. On other transcripts: non-coding transcript variant (1), intron variant (1).
Genome position (GRCh38, 1-based): chr2:174,944,935, G>A on the plus strand (C>T on the coding strand, the complement: CHN1 is on the minus strand). VCF-style: chr2-174944935-G-A. GRCh37 (hg19) VCF-style: chr2-175809663-G-A.
Other names: c.67C>T, p.Leu23= (NM_001025201.4, NM_001371513.1); c.58+7229C>T (NM_001371514.1).
Identifiers: ClinVar variation 753428 (VCV000753428.8), dbSNP rs371593822, ClinGen allele CA1975131.